The following is an entry in ClinVar:

GRCh37/hg19 16p13.11(chr16:15375912-16390970)x1

Genes: MPV17L (MPV17 mitochondrial inner membrane protein like; plus strand), ABCC1 (ATP binding cassette subfamily C member 1 (ABCC1 blood group); plus strand), ABCC6 (ATP binding cassette subfamily C member 6; minus strand), BMERB1 (bMERB domain containing 1; plus strand), CEP20 (centrosomal protein 20; minus strand) and 5 more. Cytogenetic location: 16p13.11.
Variant type: copy number loss.
Change: copy number 1 (one copy instead of two) of chr16:15,375,912-16,390,970 (1.02 Mb, GRCh37 coordinates, 1-based), cytogenetic band 16p13.11.
Identifiers: ClinVar variation 1340567 (VCV001340567.2).

ClinVar aggregate classification (germline): Pathogenic (1 of 4 stars; one submission).

Submission:

Quest Diagnostics Nichols Institute San Juan Capistrano
Classification: Pathogenic. Last evaluated: 2023-05-29. Review status: criteria provided, single submitter. Criteria: ACMG/ClinGen CNV Guidelines, 2019. Collection method: clinical testing. Allele origin: unknown.
Comment: Inherited and de novo deletions involving 16p13.11 have been implicated in variable phenotypes ranging from unaffected to neurodevelopmental disorders with intellectual disability (Tropeano et al. PLoS One. 2013 Apr 18;8(4):e61365. PMID: 23637818; Nagamani et al., Eur J Hum Genet. 2010 19(3):280-6, PMID: 21150890; Hannes et al., 2009. J Med Genet. 46(4):223-32, PMID: 18550696; Ullmann et al., 2007. Hum Mutat. 28(7):674-82, PMID: 17480035; Rehm et al., N Engl J Med. 2015 Jun 4;372(23):2235-42. PMID: 26014595 ISCA-37415). Inheritance from a normal or mildly affected parent has been reported, suggesting incomplete penetrance and variable expressivity. This copy number loss is classified as pathogenic.